The following is an entry in ClinVar:

NM_001260.3(CDK8):c.427C>T (p.His143Tyr)

Gene: CDK8 (cyclin dependent kinase 8; plus strand). Cytogenetic location: 13q12.13.
Variant type: single nucleotide variant.
Coding change: c.427C>T on transcript NM_001260.3 (MANE Select); coding-DNA position 427, C replaced by T.
Protein change: p.His143Tyr; replaces histidine 143 with tyrosine.
Molecular consequence: missense variant. On other transcripts: 5 prime UTR variant (1).
Genome position (GRCh38, 1-based): chr13:26,353,851, C>T. VCF-style: chr13-26353851-C-T. GRCh37 (hg19) VCF-style: chr13-26927988-C-T.
Other names: c.427C>T, p.His143Tyr (NM_001318368.2); c.-35C>T (NM_001346501.2); short protein forms H143Y.
Identifiers: ClinVar variation 2662568 (VCV002662568.2), dbSNP rs2137999465, ClinGen allele CA387684055.

ClinVar aggregate classification (germline): Uncertain significance (1 of 4 stars; one submission).

Submission:

GeneDx
Classification: Uncertain significance. Last evaluated: 2026-01-22. Review status: criteria provided, single submitter. Criteria: GeneDx Variant Classification Process June 2021. Collection method: clinical testing. Allele origin: germline.
Comment: Has not been previously published as pathogenic or benign to our knowledge; Not observed at significant frequency in large population cohorts (gnomAD); In silico analysis supports that this missense variant has a deleterious effect on protein structure/function